The following is an entry in ClinVar:

NM_000548.5(TSC2):c.2623T>G (p.Tyr875Asp)

Gene: TSC2 (TSC complex subunit 2; plus strand). Cytogenetic location: 16p13.3.
Variant type: single nucleotide variant.
Coding change: c.2623T>G on transcript NM_000548.5 (MANE Select); coding-DNA position 2623, T replaced by G.
Protein change: p.Tyr875Asp; replaces tyrosine 875 with aspartic acid.
Molecular consequence: missense variant.
Genome position (GRCh38, 1-based): chr16:2,075,876, T>G. VCF-style: chr16-2075876-T-G. GRCh37 (hg19) VCF-style: chr16-2125877-T-G.
Other names: c.2623T>G, p.Tyr875Asp (NM_001077183.3, NM_001114382.3, NM_001363528.2 and 3 more transcripts); c.2512T>G, p.Tyr838Asp (NM_001318827.2); c.2476T>G, p.Tyr826Asp (NM_001318829.2); c.2023T>G, p.Tyr675Asp (NM_001318831.2); c.2656T>G, p.Tyr886Asp (NM_001318832.2); short protein forms Y826D, Y675D, Y875D, Y838D, Y886D.
Identifiers: ClinVar variation 846778 (VCV000846778.9), dbSNP rs2089272680, ClinGen allele CA394278455.
Genomic context (GRCh38, chr16:2,075,876, plus strand): 5'-CACCTCTACAGGAACTTTGCCGCGGAGCAGTATGCCAGTGTGTTCGCCATCTCCCTGCCG[T>G]ACACCAACCCCTCCAAGTGAGTGGTCGCCCCAGGCCCTGTGCCTCCCAGCCGTGGCCCCC-3'
Protein context (NP_000539.2, residues 865-885): YASVFAISLP[Tyr875Asp]TNPSKFNQYI

ClinVar aggregate classification (germline): Likely pathogenic (1 of 4 stars; one submission).

Conditions:
Tuberous sclerosis 2 (TSC2). Identifiers: Orphanet 805, MedGen C1860707, MONDO:0013199, OMIM 613254.

Submission:

Labcorp Genetics (formerly Invitae), Labcorp
Classification: Likely pathogenic for Tuberous sclerosis 2. Last evaluated: 2023-03-26. Review status: criteria provided, single submitter. Criteria: Invitae Variant Classification Sherloc (09022015). Collection method: clinical testing. Allele origin: germline.
Comment: This sequence change replaces tyrosine, which is neutral and polar, with aspartic acid, which is acidic and polar, at codon 875 of the TSC2 protein (p.Tyr875Asp). In summary, the currently available evidence indicates that the variant is pathogenic, but additional data are needed to prove that conclusively. Therefore, this variant has been classified as Likely Pathogenic. Advanced modeling of protein sequence and biophysical properties (such as structural, functional, and spatial information, amino acid conservation, physicochemical variation, residue mobility, and thermodynamic stability) has been performed at Invitae for this missense variant, however the output from this modeling did not meet the statistical confidence thresholds required to predict the impact of this variant on TSC2 protein function. ClinVar contains an entry for this variant (Variation ID: 846778). This missense change has been observed in individual(s) with tuberous sclerosis complex (TSC) (Invitae). In at least one individual the variant was observed to be de novo. This variant is not present in population databases (gnomAD no frequency).